The following is an entry in ClinVar:

NM_003079.5(SMARCE1):c.896G>C (p.Arg299Thr)

Gene: SMARCE1 (SWI/SNF related BAF chromatin remodeling complex subunit E1; minus strand). Cytogenetic location: 17q21.2.
Variant type: single nucleotide variant.
Coding change: c.896G>C on transcript NM_003079.5 (MANE Select); coding-DNA position 896, G replaced by C.
Protein change: p.Arg299Thr; replaces arginine 299 with threonine.
Molecular consequence: missense variant.
Genome position (GRCh38, 1-based): chr17:40,630,845, C>G on the plus strand (G>C on the coding strand, the complement: SMARCE1 is on the minus strand). VCF-style: chr17-40630845-C-G. GRCh37 (hg19) VCF-style: chr17-38787097-C-G.
Other names: short protein forms R299T.
Identifiers: ClinVar variation 963362 (VCV000963362.9), dbSNP rs1555605248, ClinGen allele CA399363744.

ClinVar aggregate classification (germline): Uncertain significance (1 of 4 stars; one submission).

Conditions:
Familial meningioma. Also called: Meningioma, familial, susceptibility to. Identifiers: Orphanet 263662, MedGen C3551915, MONDO:0011789, OMIM 607174.

Submission:

Labcorp Genetics (formerly Invitae), Labcorp
Classification: Uncertain significance for Familial meningioma. Last evaluated: 2019-09-22. Review status: criteria provided, single submitter. Criteria: Invitae Variant Classification Sherloc (09022015). Collection method: clinical testing. Allele origin: germline.
Comment: Algorithms developed to predict the effect of missense changes on protein structure and function are either unavailable or do not agree on the potential impact of this missense change (SIFT: "Tolerated"; PolyPhen-2: "Possibly Damaging"; Align-GVGD: "Class C0"). In summary, the available evidence is currently insufficient to determine the role of this variant in disease. Therefore, it has been classified as a Variant of Uncertain Significance. This variant has not been reported in the literature in individuals with SMARCE1-related conditions. This variant is not present in population databases (ExAC no frequency). This sequence change replaces arginine with threonine at codon 299 of the SMARCE1 protein (p.Arg299Thr). The arginine residue is highly conserved and there is a moderate physicochemical difference between arginine and threonine.